The following is an entry in ClinVar:

ClinVar aggregate classification (germline): Uncertain significance (1 of 4 stars; one submission).

Allele frequency attached by ClinVar (database versions not stated): ExAC 0.00001.
gnomAD v4.1: 2 of 1,613,098 alleles (0.00012%); highest among the groups gnomAD compares: South Asian, 0.0011%; no homozygotes.

Submission:

Labcorp Genetics (formerly Invitae), Labcorp
Classification: Uncertain significance. Last evaluated: 2024-12-02. Review status: criteria provided, single submitter. Criteria: Invitae Variant Classification Sherloc (09022015). Collection method: clinical testing. Allele origin: germline.
Comment: This sequence change replaces arginine, which is basic and polar, with proline, which is neutral and non-polar, at codon 1507 of the KIAA1549 protein (p.Arg1507Pro). This variant is present in population databases (rs776540504, gnomAD 0.003%). This variant has not been reported in the literature in individuals affected with KIAA1549-related conditions. ClinVar contains an entry for this variant (Variation ID: 2073304). An algorithm developed to predict the effect of missense changes on protein structure and function (PolyPhen-2) suggests that this variant is likely to be disruptive. In summary, the available evidence is currently insufficient to determine the role of this variant in disease. Therefore, it has been classified as a Variant of Uncertain Significance.

NM_001164665.2(KIAA1549):c.4520G>C (p.Arg1507Pro)

Gene: KIAA1549 (KIAA1549; minus strand). Cytogenetic location: 7q34.
Variant type: single nucleotide variant.
Coding change: c.4520G>C on transcript NM_001164665.2 (MANE Select); coding-DNA position 4520, G replaced by C.
Protein change: p.Arg1507Pro; replaces arginine 1507 with proline.
Molecular consequence: missense variant.
Genome position (GRCh38, 1-based): chr7:138,871,188, C>G on the plus strand (G>C on the coding strand, the complement: KIAA1549 is on the minus strand). VCF-style: chr7-138871188-C-G. GRCh37 (hg19) VCF-style: chr7-138555934-C-G.
Other names: c.4520G>C, p.Arg1507Pro (NM_020910.3); short protein forms R1507P.
Identifiers: ClinVar variation 2073304 (VCV002073304.4), dbSNP rs776540504, ClinGen allele CA4505867.